The following is an entry in ClinVar:

NM_004304.5(ALK):c.437G>A (p.Gly146Asp)

Gene: ALK (ALK receptor tyrosine kinase; minus strand). Cytogenetic location: 2p23.1.
Variant type: single nucleotide variant.
Coding change: c.437G>A on transcript NM_004304.5 (MANE Select); coding-DNA position 437, G replaced by A.
Protein change: p.Gly146Asp; replaces glycine 146 with aspartic acid.
Molecular consequence: missense variant.
Genome position (GRCh38, 1-based): chr2:29,920,223, C>T on the plus strand (G>A on the coding strand, the complement: ALK is on the minus strand). VCF-style: chr2-29920223-C-T. GRCh37 (hg19) VCF-style: chr2-30143089-C-T.
Other names: short protein forms G146D.
Identifiers: ClinVar variation 3702498 (VCV003702498.2).

ClinVar aggregate classification (germline): Uncertain significance (1 of 4 stars; one submission).

Conditions:
Neuroblastoma, susceptibility to, 3. Also called: ALK-Related Neuroblastic Tumor Susceptibility. Identifiers: Orphanet 635, MedGen C2751681, MONDO:0013083, OMIM 613014.

Submission:

Labcorp Genetics (formerly Invitae), Labcorp
Classification: Uncertain significance for Neuroblastoma, susceptibility to, 3. Last evaluated: 2025-12-08. Review status: criteria provided, single submitter. Criteria: Invitae Variant Classification Sherloc (09022015). Collection method: clinical testing. Allele origin: germline.
Comment: This sequence change replaces glycine, which is neutral and non-polar, with aspartic acid, which is acidic and polar, at codon 146 of the ALK protein (p.Gly146Asp). This variant is not present in population databases (gnomAD no frequency). This variant has not been reported in the literature in individuals affected with ALK-related conditions. ClinVar contains an entry for this variant (Variation ID: 3702498). An algorithm developed to predict the effect of missense changes on protein structure and function (PolyPhen-2) suggests that this variant is likely to be disruptive. In summary, the available evidence is currently insufficient to determine the role of this variant in disease. Therefore, it has been classified as a Variant of Uncertain Significance.